The following is an entry in ClinVar:

NM_001165963.4(SCN1A):c.5112G>A (p.Met1704Ile)

Genes: SCN1A (sodium voltage-gated channel alpha subunit 1; minus strand), LOC102724058 (uncharacterized LOC102724058; plus strand). Cytogenetic location: 2q24.3.
Variant type: single nucleotide variant.
Coding change: c.5112G>A on transcript NM_001165963.4 (MANE Select); coding-DNA position 5112, G replaced by A.
Protein change: p.Met1704Ile; replaces methionine 1704 with isoleucine.
Molecular consequence: missense variant. On other transcripts: non-coding transcript variant (1).
Genome position (GRCh38, 1-based): chr2:165,992,163, C>T on the plus strand (G>A on the coding strand, the complement: SCN1A is on the minus strand). VCF-style: chr2-165992163-C-T. GRCh37 (hg19) VCF-style: chr2-166848673-C-T.
Other names: c.5028G>A, p.Met1676Ile (NM_001165964.3, NM_001353957.2, NM_001353958.2); c.5112G>A, p.Met1704Ile (NM_001202435.3, NM_001353948.2); c.5079G>A, p.Met1693Ile (NM_001353949.2, NM_001353950.2, NM_001353951.2 and 2 more transcripts); c.5076G>A, p.Met1692Ile (NM_001353954.2, NM_001353955.2); c.5025G>A, p.Met1675Ile (NM_001353960.2); c.2670G>A, p.Met890Ile (NM_001353961.2); short protein forms M1676I, M1692I, M1675I, M890I, M1693I, M1704I.
Identifiers: ClinVar variation 1427642 (VCV001427642.9), dbSNP rs2105432342, ClinGen allele CA349069149.

ClinVar aggregate classification (germline): Uncertain significance (1 of 4 stars; one submission).

Conditions:
Early-infantile DEE. Also called: Early infantile epileptic encephalopathy; Ohtahara syndrome; Early infantile epileptic encephalopathy with suppression bursts. Identifiers: Orphanet 1934, MedGen C0393706, MONDO:0800491.

Submission:

Labcorp Genetics (formerly Invitae), Labcorp
Classification: Uncertain significance for Early-infantile DEE. Last evaluated: 2021-04-21. Review status: criteria provided, single submitter. Criteria: Invitae Variant Classification Sherloc (09022015). Collection method: clinical testing. Allele origin: germline.
Comment: In summary, the available evidence is currently insufficient to determine the role of this variant in disease. Therefore, it has been classified as a Variant of Uncertain Significance. Algorithms developed to predict the effect of missense changes on protein structure and function are either unavailable or do not agree on the potential impact of this missense change (SIFT: "Deleterious"; PolyPhen-2: "Benign"; Align-GVGD: "Class C0"). This variant has not been reported in the literature in individuals with SCN1A-related conditions. This variant is not present in population databases (ExAC no frequency). This sequence change replaces methionine with isoleucine at codon 1704 of the SCN1A protein (p.Met1704Ile). The methionine residue is highly conserved and there is a small physicochemical difference between methionine and isoleucine.